The following is an entry in ClinVar:

ClinVar aggregate classification (germline): Conflicting classifications of pathogenicity. Review status: criteria provided, conflicting classifications (1 of 4 stars). 8 submissions from 8 submitters: Uncertain significance (6); Benign (1); Likely benign (1). Last evaluated 2026-01-01.

Conditions:
Mitochondrial complex I deficiency, nuclear type 1. Also called: NADH-COENZYME Q REDUCTASE DEFICIENCY; MITOCHONDRIAL NADH DEHYDROGENASE COMPONENT OF COMPLEX I, DEFICIENCY OF. Identifiers: MedGen C6022305, MONDO:0100224, OMIM 252010.
Inborn genetic diseases. Identifiers: MedGen C0950123, MeSH D030342.

Allele frequency attached by ClinVar (database versions not stated): ESP Exome Variant Server 0.00060; gnomAD 0.00061 and 0.00071; ExAC 0.00075; TOPMed 0.00075.
gnomAD v4.1: 1,444 of 1,607,486 alleles (0.09%); highest among the groups gnomAD compares: Non-Finnish European, 0.11%; 4 homozygotes.

Submissions (8):

CeGaT Center for Human Genetics Tuebingen
Classification: Benign. Last evaluated: 2026-01-01. Review status: criteria provided, single submitter. Criteria: CeGaT Center For Human Genetics Tuebingen Variant Classification Criteria Version 2. Collection method: clinical testing. Allele origin: germline. Affected: yes. Observed: 1 variant allele.
Comment: NUBPL: BS1, BS2

Labcorp Genetics (formerly Invitae), Labcorp
Classification: Uncertain significance. Last evaluated: 2025-10-27. Review status: criteria provided, single submitter. Criteria: Invitae Variant Classification Sherloc (09022015). Collection method: clinical testing. Allele origin: germline.
Comment: This sequence change replaces glycine, which is neutral and non-polar, with aspartic acid, which is acidic and polar, at codon 138 of the NUBPL protein (p.Gly138Asp). This variant is present in population databases (rs201412882, gnomAD 0.1%), and has an allele count higher than expected for a pathogenic variant. This variant has not been reported in the literature in individuals affected with NUBPL-related conditions. ClinVar contains an entry for this variant (Variation ID: 214876). Invitae Evidence Modeling of protein sequence and biophysical properties (such as structural, functional, and spatial information, amino acid conservation, physicochemical variation, residue mobility, and thermodynamic stability) indicates that this missense variant is not expected to disrupt NUBPL protein function with a negative predictive value of 80%. Experimental studies have shown that this missense change does not substantially affect NUBPL function (PMID: 29982452). In summary, the available evidence is currently insufficient to determine the role of this variant in disease. Therefore, it has been classified as a Variant of Uncertain Significance.

Mayo Clinic Laboratories, Mayo Clinic
Classification: Likely benign. Last evaluated: 2025-09-02. Review status: criteria provided, single submitter. Criteria: ACMG Guidelines, 2015. Collection method: clinical testing. Allele origin: germline. Observed: 4 variant alleles.
Comment: BS1, BS2, BS3_moderate, PP3

Blueprint Genetics
Classification: Uncertain significance. Last evaluated: 2024-10-03. Review status: criteria provided, single submitter. Criteria: ACMG Guidelines, 2015. Collection method: clinical testing. Allele origin: germline.

Ambry Genetics
Classification: Uncertain significance for Inborn genetic diseases. Last evaluated: 2023-11-01. Review status: criteria provided, single submitter. Criteria: Ambry Variant Classification Scheme 2023. Collection method: clinical testing. Allele origin: germline.
Comment: (Maclean, 2018) Based on insufficient or conflicting evidence, the clinical significance of this alteration remains unclear.

Laboratorio de Genetica e Diagnostico Molecular, Hospital Israelita Albert Einstein
Classification: Uncertain significance. Last evaluated: 2019-04-16. Review status: criteria provided, single submitter. Criteria: ACMG Guidelines, 2015. Collection method: clinical testing. Allele origin: germline. Affected: yes.
Comment: ACMG classification criteria: PP3

Illumina Laboratory Services, Illumina
Classification: Uncertain significance for Mitochondrial complex I deficiency, nuclear type 1. Last evaluated: 2017-04-27. Review status: criteria provided, single submitter. Criteria: ICSL Variant Classification Criteria 13 December 2019. Collection method: clinical testing. Allele origin: germline.

Breakthrough Genomics
Classification: Uncertain significance. Review status: criteria provided, single submitter. Criteria: ACMG Guidelines, 2015. Collection method: not provided. Allele origin: germline. Inheritance: Autosomal recessive inheritance. Affected: yes.

Literature cited by the submitters: PubMed 29982452 (cited by Labcorp Genetics (formerly Invitae), Labcorp and Ambry Genetics).

NM_025152.3(NUBPL):c.413G>A (p.Gly138Asp)

Gene: NUBPL (NUBP iron-sulfur cluster assembly factor, mitochondrial; plus strand). Cytogenetic location: 14q12.
Variant type: single nucleotide variant.
Coding change: c.413G>A on transcript NM_025152.3 (MANE Select); coding-DNA position 413, G replaced by A.
Protein change: p.Gly138Asp; replaces glycine 138 with aspartic acid.
Molecular consequence: missense variant. On other transcripts: non-coding transcript variant (1).
Genome position (GRCh38, 1-based): chr14:31,673,385, G>A. VCF-style: chr14-31673385-G-A. GRCh37 (hg19) VCF-style: chr14-32142591-G-A.
Other names: p.Gly138Asp; c.125G>A, p.Gly42Asp (NM_001201573.2); short protein forms G138D, G42D.
Identifiers: ClinVar variation 214876 (VCV000214876.18), dbSNP rs201412882, ClinGen allele CA320393.